The following is an entry in ClinVar:

ClinVar aggregate classification (germline): Uncertain significance (1 of 4 stars; one submission).

Allele frequency attached by ClinVar (database versions not stated): gnomAD exomes below 0.00001; TOPMed below 0.00001; gnomAD 0.00001.
gnomAD v4.1: 2 of 1,614,022 alleles (0.00012%); highest among the groups gnomAD compares: African/African-American, 0.0027%; no homozygotes.

Submission:

Labcorp Genetics (formerly Invitae), Labcorp
Classification: Uncertain significance. Last evaluated: 2023-02-21. Review status: criteria provided, single submitter. Criteria: Invitae Variant Classification Sherloc (09022015). Collection method: clinical testing. Allele origin: germline.
Comment: In summary, the available evidence is currently insufficient to determine the role of this variant in disease. Therefore, it has been classified as a Variant of Uncertain Significance. An algorithm developed to predict the effect of missense changes on protein structure and function (PolyPhen-2) suggests that this variant is likely to be disruptive. This variant has not been reported in the literature in individuals affected with TFRC-related conditions. This variant is not present in population databases (gnomAD no frequency). This sequence change replaces phenylalanine, which is neutral and non-polar, with serine, which is neutral and polar, at codon 77 of the TFRC protein (p.Phe77Ser).

NM_001128148.3(TFRC):c.230T>C (p.Phe77Ser)

Gene: TFRC (transferrin receptor; minus strand). Cytogenetic location: 3q29.
Variant type: single nucleotide variant.
Coding change: c.230T>C on transcript NM_001128148.3 (MANE Select); coding-DNA position 230, T replaced by C.
Protein change: p.Phe77Ser; replaces phenylalanine 77 with serine.
Molecular consequence: missense variant. On other transcripts: intron variant (2).
Genome position (GRCh38, 1-based): chr3:196,075,167, A>G on the plus strand (T>C on the coding strand, the complement: TFRC is on the minus strand). VCF-style: chr3-196075167-A-G. GRCh37 (hg19) VCF-style: chr3-195802038-A-G.
Other names: c.230T>C, p.Phe77Ser (NM_003234.4); c.-413+1897T>C (NM_001313966.2); c.-5-1042T>C (NM_001313965.2); short protein forms F77S.
Identifiers: ClinVar variation 2839591 (VCV002839591.3), dbSNP rs1560089709, ClinGen allele CA355578927.